The following is an entry in ClinVar:

NM_004958.4(MTOR):c.6918A>T (p.Lys2306Asn)

Gene: MTOR (mechanistic target of rapamycin kinase; minus strand). Cytogenetic location: 1p36.22.
Variant type: single nucleotide variant.
Coding change: c.6918A>T on transcript NM_004958.4 (MANE Select); coding-DNA position 6918, A replaced by T.
Protein change: p.Lys2306Asn; replaces lysine 2306 with asparagine.
Molecular consequence: missense variant.
Genome position (GRCh38, 1-based): chr1:11,121,261, T>A on the plus strand (A>T on the coding strand, the complement: MTOR is on the minus strand). VCF-style: chr1-11121261-T-A. GRCh37 (hg19) VCF-style: chr1-11181318-T-A.
Other names: c.6918A>T, p.Lys2306Asn (NM_001386500.1); c.5670A>T, p.Lys1890Asn (NM_001386501.1); short protein forms K1890N, K2306N.
Identifiers: ClinVar variation 4085425 (VCV004085425.8).

ClinVar aggregate classification (germline): Uncertain significance (1 of 4 stars; one submission).

Submission:

CeGaT Center for Human Genetics Tuebingen
Classification: Uncertain significance. Last evaluated: 2025-07-01. Review status: criteria provided, single submitter. Criteria: CeGaT Center For Human Genetics Tuebingen Variant Classification Criteria Version 2. Collection method: clinical testing. Allele origin: germline. Affected: yes. Observed: 1 variant allele.
Comment: MTOR: PM1, PM2, PP2